The following is an entry in ClinVar:

NM_016111.4(TELO2):c.515A>T (p.Gln172Leu)

Gene: TELO2 (telomere maintenance 2; plus strand). Cytogenetic location: 16p13.3.
Variant type: single nucleotide variant.
Coding change: c.515A>T on transcript NM_016111.4 (MANE Select); coding-DNA position 515, A replaced by T.
Protein change: p.Gln172Leu; replaces glutamine 172 with leucine.
Molecular consequence: missense variant.
Genome position (GRCh38, 1-based): chr16:1,495,525, A>T. VCF-style: chr16-1495525-A-T. GRCh37 (hg19) VCF-style: chr16-1545526-A-T.
Other names: c.515A>T, p.Gln172Leu (NM_001351846.2); c.515A>T (NM_016111.3); short protein forms Q172L.
Identifiers: ClinVar variation 2182288 (VCV002182288.6), dbSNP rs761527874, ClinGen allele CA7811667.

ClinVar aggregate classification (germline): Uncertain significance. Review status: criteria provided, multiple submitters, no conflicts (2 of 4 stars). 3 submissions from 3 submitters: Uncertain significance (3). Last evaluated 2025-04-03.

Conditions:
Inborn genetic diseases. Identifiers: MedGen C0950123, MeSH D030342.

Allele frequency attached by ClinVar (database versions not stated): gnomAD 0.00001; gnomAD exomes 0.00001; TOPMed 0.00001; ExAC 0.00003.
gnomAD v4.1: 16 of 1,611,436 alleles (0.00099%); highest among the groups gnomAD compares: Non-Finnish European, 0.0014%; no homozygotes.

Submissions (3):

Ambry Genetics
Classification: Uncertain significance for Inborn genetic diseases. Last evaluated: 2025-04-03. Review status: criteria provided, single submitter. Criteria: Ambry Variant Classification Scheme 2023. Collection method: clinical testing. Allele origin: germline.

Labcorp Genetics (formerly Invitae), Labcorp
Classification: Uncertain significance. Last evaluated: 2024-10-15. Review status: criteria provided, single submitter. Criteria: Invitae Variant Classification Sherloc (09022015). Collection method: clinical testing. Allele origin: germline.
Comment: This sequence change replaces glutamine, which is neutral and polar, with leucine, which is neutral and non-polar, at codon 172 of the TELO2 protein (p.Gln172Leu). This variant is present in population databases (rs761527874, gnomAD 0.004%). This variant has not been reported in the literature in individuals affected with TELO2-related conditions. ClinVar contains an entry for this variant (Variation ID: 2182288). Invitae Evidence Modeling of protein sequence and biophysical properties (such as structural, functional, and spatial information, amino acid conservation, physicochemical variation, residue mobility, and thermodynamic stability) has been performed for this missense variant. However, the output from this modeling did not meet the statistical confidence thresholds required to predict the impact of this variant on TELO2 protein function. In summary, the available evidence is currently insufficient to determine the role of this variant in disease. Therefore, it has been classified as a Variant of Uncertain Significance.

Blueprint Genetics
Classification: Uncertain significance. Last evaluated: 2023-08-07. Review status: criteria provided, single submitter. Criteria: ACMG Guidelines, 2015. Collection method: clinical testing. Allele origin: germline.